The following is an entry in ClinVar:

ClinVar aggregate classification (germline): Likely pathogenic (1 of 4 stars; one submission).

Allele frequency attached by ClinVar (database versions not stated): TOPMed below 0.00001; gnomAD 0.00001.

Submission:

Labcorp Genetics (formerly Invitae), Labcorp
Classification: Likely pathogenic. Last evaluated: 2024-01-14. Review status: criteria provided, single submitter. Criteria: Invitae Variant Classification Sherloc (09022015). Collection method: clinical testing. Allele origin: germline.
Comment: This variant results in the deletion of part of exon 45 (c.5812_5813+2del) of the OTOF gene. It is expected to disrupt RNA splicing. Variants that disrupt the donor or acceptor splice site typically lead to a loss of protein function (PMID: 16199547), and loss-of-function variants in OTOF are known to be pathogenic (PMID: 18381613, 19250381, 22575033). This variant is present in population databases (no rsID available, gnomAD 0.007%). This variant has not been reported in the literature in individuals affected with OTOF-related conditions. In summary, the currently available evidence indicates that the variant is pathogenic, but additional data are needed to prove that conclusively. Therefore, this variant has been classified as Likely Pathogenic.

Literature cited by the submitters: PubMed 16199547; PubMed 18381613; PubMed 19250381; PubMed 22575033.

NM_194248.3(OTOF):c.5812_5813+2del

Gene: OTOF (otoferlin; minus strand). Cytogenetic location: 2p23.3.
Variant type: Deletion.
Coding change: c.5812_5813+2del on transcript NM_194248.3 (MANE Select); coding-DNA position 5812 through the canonical splice donor site of the intron after coding-DNA position 5813, 4 bases deleted (AAGT; older notation c.5812_5813+2delAAGT).
Molecular consequence: splice donor variant.
Genome position (GRCh38, 1-based): chr2:26,460,645-26,460,648, ACTT deleted on the plus strand (AAGT on the coding strand, the reverse complement: OTOF is on the minus strand). VCF-style (leftmost placement, unchanged base first): chr2-26460644-CACTT-C. GRCh37 (hg19) VCF-style: chr2-26683512-CACTT-C.
Other names: c.5812_5813+2del (NM_001287489.2); c.3511_3512+2del (NM_194323.3, NM_004802.4); c.3742_3743+2del (NM_194322.3).
Identifiers: ClinVar variation 2995297 (VCV002995297.3), dbSNP rs1443400614, ClinGen allele CA531761612.